The following is an entry in ClinVar:

ClinVar aggregate classification (germline): Uncertain significance. Review status: criteria provided, multiple submitters, no conflicts (2 of 4 stars). 2 submissions from 2 submitters: Uncertain significance (2). Last evaluated 2024-06-24.

Conditions:
Autosomal dominant hypophosphatemic rickets (ADHR). Also called: HYPOPHOSPHATEMIA, AUTOSOMAL DOMINANT; VITAMIN D-RESISTANT RICKETS, AUTOSOMAL DOMINANT. Identifiers: Orphanet 89937, MedGen C0342642, MONDO:0008660, OMIM 193100.
Tumoral calcinosis, hyperphosphatemic, familial, 2. Identifiers: MedGen C4693863, MONDO:0060714, OMIM 617993.

Allele frequency attached by ClinVar (database versions not stated): TOPMed 0.00001.

Submissions (2):

Fulgent Genetics
Classification: Uncertain significance for Autosomal dominant hypophosphatemic rickets; Tumoral calcinosis, hyperphosphatemic, familial, 2. Last evaluated: 2024-06-24. Review status: criteria provided, single submitter. Criteria: ACMG Guidelines, 2015. Collection method: clinical testing. Allele origin: germline.

Labcorp Genetics (formerly Invitae), Labcorp
Classification: Uncertain significance. Last evaluated: 2022-03-27. Review status: criteria provided, single submitter. Criteria: Invitae Variant Classification Sherloc (09022015). Collection method: clinical testing. Allele origin: germline.
Comment: This sequence change replaces tyrosine, which is neutral and polar, with histidine, which is basic and polar, at codon 93 of the FGF23 protein (p.Tyr93His). This variant is not present in population databases (gnomAD no frequency). This variant has not been reported in the literature in individuals affected with FGF23-related conditions. Algorithms developed to predict the effect of missense changes on protein structure and function (SIFT, PolyPhen-2, Align-GVGD) all suggest that this variant is likely to be disruptive. In summary, the available evidence is currently insufficient to determine the role of this variant in disease. Therefore, it has been classified as a Variant of Uncertain Significance.

NM_020638.3(FGF23):c.277T>C (p.Tyr93His)

Gene: FGF23 (fibroblast growth factor 23; minus strand). Cytogenetic location: 12p13.32.
Variant type: single nucleotide variant.
Coding change: c.277T>C on transcript NM_020638.3 (MANE Select); coding-DNA position 277, T replaced by C.
Protein change: p.Tyr93His; replaces tyrosine 93 with histidine.
Molecular consequence: missense variant.
Genome position (GRCh38, 1-based): chr12:4,372,632, A>G on the plus strand (T>C on the coding strand, the complement: FGF23 is on the minus strand). VCF-style: chr12-4372632-A-G. GRCh37 (hg19) VCF-style: chr12-4481798-A-G.
Other names: short protein forms Y93H.
Identifiers: ClinVar variation 2418171 (VCV002418171.7), dbSNP rs1405035963, ClinGen allele CA383416744.